The following is an entry in ClinVar:

ClinVar aggregate classification (germline): Uncertain significance (1 of 4 stars; one submission).

Conditions:
Osteogenesis imperfecta type I (OI1). Also called: Lobstein disease; OI, TYPE I; OSTEOGENESIS IMPERFECTA TARDA; OSTEOGENESIS IMPERFECTA WITH BLUE SCLERAE; Osteogenesis imperfecta type 1; Lobstein's Disease. Identifiers: Orphanet 216796, Orphanet 666, MedGen C0023931, MONDO:0008146, OMIM 166200. Disease mechanism: loss of function.
Ehlers-Danlos syndrome, classic type, 1 (EDSCL1). Also called: EDS I; EHLERS-DANLOS SYNDROME, GRAVIS TYPE; EHLERS-DANLOS SYNDROME, SEVERE CLASSIC TYPE; Ehlers-Danlos syndrome, type 1; Ehlers-Danlos Syndrome, Classic Type, COL5A1-Related. Identifiers: MedGen C0268335, MONDO:0019567, OMIM 130000.

Allele frequency attached by ClinVar (database versions not stated): gnomAD 0.00001.
gnomAD v4.1: 1 of 1,613,754 alleles (0.000062%); highest among the groups gnomAD compares: Admixed American, 0.0017%; no homozygotes.

Submission:

Labcorp Genetics (formerly Invitae), Labcorp
Classification: Uncertain significance for Osteogenesis imperfecta type I; Ehlers-Danlos syndrome, classic type, 1. Last evaluated: 2024-08-13. Review status: criteria provided, single submitter. Criteria: Invitae Variant Classification Sherloc (09022015). Collection method: clinical testing. Allele origin: germline.
Comment: This sequence change replaces glycine, which is neutral and non-polar, with glutamic acid, which is acidic and polar, at codon 1325 of the COL1A2 protein (p.Gly1325Glu). This variant is not present in population databases (gnomAD no frequency). This missense change has been observed in individual(s) with osteogenesis imperfecta (PMID: 36709916). An algorithm developed to predict the effect of missense changes on protein structure and function outputs the following: PolyPhen-2: "Not Available". The glutamic acid amino acid residue is found in multiple mammalian species, which suggests that this missense change does not adversely affect protein function. In summary, the available evidence is currently insufficient to determine the role of this variant in disease. Therefore, it has been classified as a Variant of Uncertain Significance.

Literature cited by the submitters: PubMed 36709916.

NM_000089.4(COL1A2):c.3974G>A (p.Gly1325Glu)

Gene: COL1A2 (collagen type I alpha 2 chain; plus strand). Cytogenetic location: 7q21.3.
Variant type: single nucleotide variant.
Coding change: c.3974G>A on transcript NM_000089.4 (MANE Select); coding-DNA position 3974, G replaced by A.
Protein change: p.Gly1325Glu; replaces glycine 1325 with glutamic acid.
Molecular consequence: missense variant.
Genome position (GRCh38, 1-based): chr7:94,430,266, G>A. VCF-style: chr7-94430266-G-A. GRCh37 (hg19) VCF-style: chr7-94059578-G-A.
Other names: short protein forms G1325E.
Identifiers: ClinVar variation 2949052 (VCV002949052.3), dbSNP rs1584333449, ClinGen allele CA368227174.
Genomic context (GRCh38, chr7:94,430,266, plus strand): 5'-ATAGTGATGCTTTGTGTATCTATTTTCTTCTCTTTAAACAGAAAAAGACAAATGAATGGG[G>A]AAAGACAATCATTGAATACAAAACAAATAAGCCATCACGCCTGCCCTTCCTTGATATTGC-3'
Protein context (NP_000080.2, residues 1315-1335): DGCSKKTNEW[Gly1325Glu]KTIIEYKTNK